The following is an entry in ClinVar:

ClinVar aggregate classification (germline): Pathogenic (1 of 4 stars; one submission).

Submission:

GeneDx
Classification: Pathogenic. Last evaluated: 2018-06-05. Review status: criteria provided, single submitter. Criteria: GeneDx Variant Classification (06012015). Collection method: clinical testing. Allele origin: germline. Affected: yes.
Comment: The c.2674delC variant in the CHD2 gene has not been reported previously as a pathogenic variant nor as a benign variant, to our knowledge. The c.2674delC variant causes a frameshift starting with codon Glutamine 892, changes this amino acid to an Arginine residue, and creates a premature Stop codon at position 19 of the new reading frame, denoted p.Gln892ArgfsX19. This variant is predicted to cause loss of normal protein function either through protein truncation or nonsense-mediated mRNA decay. The c.2674delC variant is not observed in large population cohorts (Lek et al., 2016). We interpret c.2674delC as a pathogenic variant.

NM_001271.4(CHD2):c.2674del (p.Gln892fs)

Gene: CHD2 (chromodomain helicase DNA binding protein 2; plus strand). Cytogenetic location: 15q26.1.
Variant type: Deletion.
Coding change: c.2674del on transcript NM_001271.4 (MANE Select); coding-DNA position 2674, one base deleted (C; older notation c.2674delC).
Protein change: p.Gln892fs; shifts the reading frame from glutamine 892.
Molecular consequence: frameshift variant.
Genome position (GRCh38, 1-based): chr15:92,978,330, C deleted; the last of 5 consecutive C bases (chr15:92,978,326-92,978,330); deleting any one gives the same sequence. VCF-style (leftmost placement, unchanged base first): chr15-92978325-AC-A. GRCh37 (hg19) VCF-style: chr15-93521555-AC-A.
Other names: short protein forms Q892fs.
Identifiers: ClinVar variation 817090 (VCV000817090.1), dbSNP rs1596427956, ClinGen allele CA915946164.
Genomic context (GRCh38, chr15:92,978,325, plus strand): 5'-GTGGCCTGGGAATCAATTTGGCTTCAGCGGACACAGTCGTCATCTTTGACTCTGACTGGA[AC>A]CCCCAGAATGACTTGCAGGCACAAGCCCGAGCGCATAGAATTGGTCAAAAGAAGCAGGTC-3'